The following is an entry in ClinVar:

NM_004168.4(SDHA):c.963T>C (p.Ser321=)

Gene: SDHA (succinate dehydrogenase complex flavoprotein subunit A; plus strand). Cytogenetic location: 5p15.33.
Variant type: single nucleotide variant.
Coding change: c.963T>C on transcript NM_004168.4 (MANE Select); coding-DNA position 963, T replaced by C.
Protein change: p.Ser321=; no amino-acid change (serine 321 retained).
Molecular consequence: synonymous variant.
Genome position (GRCh38, 1-based): chr5:233,544, T>C. VCF-style: chr5-233544-T-C. GRCh37 (hg19) VCF-style: chr5-233659-T-C.
Other names: c.819T>C, p.Ser273= (NM_001294332.2); c.963T>C, p.Ser321= (NM_001330758.2); c.963T>C (NM_004168.2).
Identifiers: ClinVar variation 1529862 (VCV001529862.37), dbSNP rs755235011, ClinGen allele CA3173046.

ClinVar aggregate classification (germline): Benign/Likely benign. Review status: criteria provided, multiple submitters, no conflicts (2 of 4 stars). 4 submissions from 4 submitters: Benign (1); Likely benign (3). Last evaluated 2025-03-04.

Conditions:
Mitochondrial complex II deficiency, nuclear type 1. Also called: SUCCINATE CoQ REDUCTASE DEFICIENCY. Identifiers: Orphanet 3208, MedGen C5700310, MONDO:0100294, OMIM 252011.
Pheochromocytoma/paraganglioma syndrome 5. Also called: Paragangliomas 5; SDHA-Related Hereditary Paraganglioma-Pheochromocytoma Syndrome. Identifiers: Orphanet 29072, MedGen C3279992, MONDO:0013602, OMIM 614165.
Hereditary cancer-predisposing syndrome. Also called: Tumor predisposition; Neoplastic Syndromes, Hereditary; Hereditary Cancer Syndrome; Hereditary neoplastic syndrome. Identifiers: Orphanet 140162, MedGen C0027672, MeSH D009386, MONDO:0015356.

Allele frequency attached by ClinVar (database versions not stated): gnomAD exomes 0.00001 and 0.00002; ExAC 0.00002.
gnomAD v4.1: 9 of 1,614,202 alleles (0.00056%); highest among the groups gnomAD compares: South Asian, 0.0099%; no homozygotes.

Submissions (4):

Myriad Genetics, Inc.
Classification: Benign for Pheochromocytoma/paraganglioma syndrome 5. Last evaluated: 2025-03-04. Review status: criteria provided, single submitter. Criteria: Myriad Autosomal Dominant, Autosomal Recessive and X-Linked Classification Criteria (2023). Collection method: clinical testing. Allele origin: unknown.
Comment: This variant is considered benign. This variant is a silent/synonymous amino acid change and it is not expected to impact splicing.

Labcorp Genetics (formerly Invitae), Labcorp
Classification: Likely benign for Pheochromocytoma/paraganglioma syndrome 5; Mitochondrial complex II deficiency, nuclear type 1. Last evaluated: 2024-08-28. Review status: criteria provided, single submitter. Criteria: Invitae Variant Classification Sherloc (09022015). Collection method: clinical testing. Allele origin: germline.

Ambry Genetics
Classification: Likely benign for Hereditary cancer-predisposing syndrome. Last evaluated: 2024-08-11. Review status: criteria provided, single submitter. Criteria: Ambry Variant Classification Scheme 2023. Collection method: clinical testing. Allele origin: germline.

CeGaT Center for Human Genetics Tuebingen
Classification: Likely benign. Last evaluated: 2022-08-01. Review status: criteria provided, single submitter. Criteria: CeGaT Center For Human Genetics Tuebingen Variant Classification Criteria Version 2. Collection method: clinical testing. Allele origin: germline. Affected: yes. Observed: 1 variant allele.
Comment: SDHA: BP4, BP7